The following is an entry in ClinVar:

NM_001008212.2(OPTN):c.261G>A (p.Glu87=)

Genes: OPTN (optineurin; plus strand), LOC108903148 (10p13 OPTN distal Alu-mediated recombination region; plus strand). Cytogenetic location: 10p13.
Variant type: single nucleotide variant.
Coding change: c.261G>A on transcript NM_001008212.2 (MANE Select); coding-DNA position 261, G replaced by A.
Protein change: p.Glu87=; no amino-acid change (glutamic acid 87 retained).
Molecular consequence: synonymous variant.
Genome position (GRCh38, 1-based): chr10:13,110,368, G>A. VCF-style: chr10-13110368-G-A. GRCh37 (hg19) VCF-style: chr10-13152368-G-A.
Other names: c.261G>A, p.Glu87= (NM_001008211.1, NM_001008213.1, NM_021980.4).
Identifiers: ClinVar variation 788091 (VCV000788091.9), dbSNP rs749333165, ClinGen allele CA5410550.

ClinVar aggregate classification (germline): Likely benign. Review status: criteria provided, single submitter (1 of 4 stars). 2 submissions from 2 submitters: Likely benign (1). 1 of the submissions does not count toward it. Last evaluated 2022-08-21.

Conditions:
OPTN-related disorder. Also called: OPTN-related disorders; OPTN-related condition.
Primary open angle glaucoma (POAG). Also called: OPTN-related open angle glaucoma. Identifiers: MedGen C0339573, MONDO:0100553, OMIM 137760.
Amyotrophic lateral sclerosis type 12 (ALS12). Also called: AMYOTROPHIC LATERAL SCLEROSIS 12 WITH OR WITHOUT FRONTOTEMPORAL DEMENTIA. Identifiers: Orphanet 803, MedGen C3150692, MONDO:0013264, OMIM 613435.
Glaucoma 1, open angle, E. Identifiers: MedGen C1842026, MONDO:0007665.

Allele frequency attached by ClinVar (database versions not stated): gnomAD exomes below 0.00001; TOPMed below 0.00001; ExAC 0.00001.
gnomAD v4.1: 4 of 1,614,112 alleles (0.00025%); highest among the groups gnomAD compares: Non-Finnish European, 0.00034%; no homozygotes.

Submissions (2):

Labcorp Genetics (formerly Invitae), Labcorp
Classification: Likely benign for Primary open angle glaucoma; Glaucoma 1, open angle, E; Amyotrophic lateral sclerosis type 12. Last evaluated: 2022-08-21. Review status: criteria provided, single submitter. Criteria: Invitae Variant Classification Sherloc (09022015). Collection method: clinical testing. Allele origin: germline.

PreventionGenetics, part of Exact Sciences
Classification: Likely benign for OPTN-related condition. Last evaluated: 2024-03-04. Review status: no assertion criteria provided. Collection method: clinical testing. Allele origin: germline. Not counted in ClinVar's aggregate classification.
Comment: This variant is classified as likely benign based on ACMG/AMP sequence variant interpretation guidelines (Richards et al. 2015 PMID: 25741868, with internal and published modifications).